The following is an entry in ClinVar:

ClinVar aggregate classification (germline): Likely benign (1 of 4 stars; one submission).

Allele frequency attached by ClinVar (database versions not stated): ExAC 0.00117; 1000 Genomes Project 30x 0.00125; TOPMed 0.00128; gnomAD 0.00130; 1000 Genomes Project 0.00140; gnomAD exomes 0.00166.
gnomAD v4.1: 2,452 of 1,523,962 alleles (0.16%); highest among the groups gnomAD compares: Non-Finnish European, 0.2%; 4 homozygotes.

Submission:

CeGaT Center for Human Genetics Tuebingen
Classification: Likely benign. Last evaluated: 2024-01-01. Review status: criteria provided, single submitter. Criteria: CeGaT Center For Human Genetics Tuebingen Variant Classification Criteria Version 2. Collection method: clinical testing. Allele origin: germline. Affected: yes. Observed: 1 variant allele.
Comment: EYA3: BP4

NM_001990.4(EYA3):c.224+8G>A

Gene: EYA3 (EYA transcriptional coactivator and phosphatase 3; minus strand). Cytogenetic location: 1p35.3.
Variant type: single nucleotide variant.
Coding change: c.224+8G>A on transcript NM_001990.4 (MANE Select); 8 bases into the intron after coding-DNA position 224, G replaced by A.
Molecular consequence: intron variant.
Genome position (GRCh38, 1-based): chr1:28,038,831, C>T on the plus strand (G>A on the coding strand, the complement: EYA3 is on the minus strand). VCF-style: chr1-28038831-C-T. GRCh37 (hg19) VCF-style: chr1-28365342-C-T.
Other names: c.65+8G>A (NM_001282562.2); c.224+8G>A (NM_001282561.2, NM_001282560.2).
Identifiers: ClinVar variation 3024851 (VCV003024851.22), dbSNP rs189558680, ClinGen allele CA719524.